The following is an entry in ClinVar:

ClinVar aggregate classification (germline): Likely benign. Review status: criteria provided, multiple submitters, no conflicts (2 of 4 stars). 2 submissions from 2 submitters: Likely benign (2). Last evaluated 2026-01-01.

Conditions:
Inborn genetic diseases. Identifiers: MedGen C0950123, MeSH D030342.

gnomAD v4.1: 9 of 1,608,270 alleles (0.00056%); highest among the groups gnomAD compares: Non-Finnish European, 0.00068%; no homozygotes.

Submissions (2):

CeGaT Center for Human Genetics Tuebingen
Classification: Likely benign. Last evaluated: 2026-01-01. Review status: criteria provided, single submitter. Criteria: CeGaT Center For Human Genetics Tuebingen Variant Classification Criteria Version 2. Collection method: clinical testing. Allele origin: germline. Affected: yes. Observed: 2 variant alleles.
Comment: LTBP3: BP4, BP7

Ambry Genetics
Classification: Likely benign for Inborn genetic diseases. Last evaluated: 2021-04-02. Review status: criteria provided, single submitter. Criteria: Ambry Variant Classification Scheme 2023. Collection method: clinical testing. Allele origin: germline.

NM_001130144.3(LTBP3):c.468C>G (p.Pro156=)

Gene: LTBP3 (latent transforming growth factor beta binding protein 3; minus strand). Cytogenetic location: 11q13.1.
Variant type: single nucleotide variant.
Coding change: c.468C>G on transcript NM_001130144.3 (MANE Select); coding-DNA position 468, C replaced by G.
Protein change: p.Pro156=; no amino-acid change (proline 156 retained).
Molecular consequence: synonymous variant.
Genome position (GRCh38, 1-based): chr11:65,554,244, G>C on the plus strand (C>G on the coding strand, the complement: LTBP3 is on the minus strand). VCF-style: chr11-65554244-G-C. GRCh37 (hg19) VCF-style: chr11-65321715-G-C.
Other names: c.117C>G, p.Pro39= (NM_001164266.1); c.468C>G, p.Pro156= (NM_021070.4).
Identifiers: ClinVar variation 1742446 (VCV001742446.26), dbSNP rs776378328, ClinGen allele CA475037179.
Genomic context (GRCh38, chr11:65,554,244, plus strand): 5'-GCCCTCCGGAGCCAGGGGCGGCAGCGCCCCTGTGGACAGGGCCCCTGTCCTGCTCAGGCC[G>C]GGGCCTGAGCCGCCGGTACCCCCACCGGCTCCTCCTGCGGGCACCTGGCAGAAGCGCCCA-3'
Protein context (NP_001123616.1, residues 146-166): GAGGGTGGSG[Pro156=]GLSRTGALST